The following is an entry in ClinVar:

NM_001164665.2(KIAA1549):c.4790G>A (p.Arg1597His)

Gene: KIAA1549 (KIAA1549; minus strand). Cytogenetic location: 7q34.
Variant type: single nucleotide variant.
Coding change: c.4790G>A on transcript NM_001164665.2 (MANE Select); coding-DNA position 4790, G replaced by A.
Protein change: p.Arg1597His; replaces arginine 1597 with histidine.
Molecular consequence: missense variant.
Genome position (GRCh38, 1-based): chr7:138,868,114, C>T on the plus strand (G>A on the coding strand, the complement: KIAA1549 is on the minus strand). VCF-style: chr7-138868114-C-T. GRCh37 (hg19) VCF-style: chr7-138552860-C-T.
Other names: c.4790G>A (NM_001164665.1); c.4790G>A, p.Arg1597His (NM_020910.3); short protein forms R1597H.
Identifiers: ClinVar variation 2062753 (VCV002062753.6), dbSNP rs371072234, ClinGen allele CA4505749.

ClinVar aggregate classification (germline): Uncertain significance. Review status: criteria provided, multiple submitters, no conflicts (2 of 4 stars). 3 submissions from 3 submitters: Uncertain significance (3). Last evaluated 2025-08-23.

Conditions:
Inborn genetic diseases. Identifiers: MedGen C0950123, MeSH D030342.

Allele frequency attached by ClinVar (database versions not stated): gnomAD 0.00002; ExAC 0.00003; TOPMed 0.00003; gnomAD exomes 0.00004; ESP Exome Variant Server 0.00008.
gnomAD v4.1: 61 of 1,613,164 alleles (0.0038%); highest among the groups gnomAD compares: African/African-American, 0.0053%; no homozygotes.

Submissions (3):

Ambry Genetics
Classification: Uncertain significance for Inborn genetic diseases. Last evaluated: 2025-08-23. Review status: criteria provided, single submitter. Criteria: Ambry Variant Classification Scheme 2023. Collection method: clinical testing. Allele origin: germline.

Blueprint Genetics
Classification: Uncertain significance. Last evaluated: 2024-09-06. Review status: criteria provided, single submitter. Criteria: ACMG Guidelines, 2015. Collection method: clinical testing. Allele origin: germline.

Labcorp Genetics (formerly Invitae), Labcorp
Classification: Uncertain significance. Last evaluated: 2022-08-08. Review status: criteria provided, single submitter. Criteria: Invitae Variant Classification Sherloc (09022015). Collection method: clinical testing. Allele origin: germline.
Comment: In summary, the available evidence is currently insufficient to determine the role of this variant in disease. Therefore, it has been classified as a Variant of Uncertain Significance. Algorithms developed to predict the effect of missense changes on protein structure and function are either unavailable or do not agree on the potential impact of this missense change (SIFT: "Deleterious"; PolyPhen-2: "Probably Damaging"; Align-GVGD: "Class C0"). This variant has not been reported in the literature in individuals affected with KIAA1549-related conditions. This variant is present in population databases (rs371072234, gnomAD 0.02%). This sequence change replaces arginine, which is basic and polar, with histidine, which is basic and polar, at codon 1597 of the KIAA1549 protein (p.Arg1597His).